The following is an entry in ClinVar:

NM_004279.3(PMPCB):c.378G>A (p.Met126Ile)

Gene: PMPCB (peptidase, mitochondrial processing subunit beta; plus strand). Cytogenetic location: 7q22.1.
Variant type: single nucleotide variant.
Coding change: c.378G>A on transcript NM_004279.3 (MANE Select); coding-DNA position 378, G replaced by A.
Protein change: p.Met126Ile; replaces methionine 126 with isoleucine.
Molecular consequence: missense variant.
Genome position (GRCh38, 1-based): chr7:103,300,228, G>A. VCF-style: chr7-103300228-G-A. GRCh37 (hg19) VCF-style: chr7-102940675-G-A.
Other names: short protein forms M126I.
Identifiers: ClinVar variation 1437588 (VCV001437588.4), dbSNP rs200124606, ClinGen allele CA4417929.

ClinVar aggregate classification (germline): Uncertain significance (1 of 4 stars; one submission).

Allele frequency attached by ClinVar (database versions not stated): ESP Exome Variant Server 0.00008; TOPMed 0.00024; ExAC 0.00027; gnomAD 0.00027; gnomAD exomes 0.00027 and 0.00028; 1000 Genomes Project 30x 0.00031; 1000 Genomes Project 0.00040.

Submission:

Labcorp Genetics (formerly Invitae), Labcorp
Classification: Uncertain significance. Last evaluated: 2025-10-04. Review status: criteria provided, single submitter. Criteria: Invitae Variant Classification Sherloc (09022015). Collection method: clinical testing. Allele origin: germline.
Comment: This sequence change replaces methionine, which is neutral and non-polar, with isoleucine, which is neutral and non-polar, at codon 126 of the PMPCB protein (p.Met126Ile). This variant is present in population databases (rs200124606, gnomAD 0.1%). This variant has not been reported in the literature in individuals affected with PMPCB-related conditions. ClinVar contains an entry for this variant (Variation ID: 1437588). Invitae Evidence Modeling of protein sequence and biophysical properties (such as structural, functional, and spatial information, amino acid conservation, physicochemical variation, residue mobility, and thermodynamic stability) indicates that this missense variant is not expected to disrupt PMPCB protein function with a negative predictive value of 80%. In summary, the available evidence is currently insufficient to determine the role of this variant in disease. Therefore, it has been classified as a Variant of Uncertain Significance.